The following is an entry in ClinVar:

ClinVar aggregate classification (germline): Pathogenic. Review status: criteria provided, multiple submitters, no conflicts (2 of 4 stars). 10 submissions from 10 submitters: Pathogenic (9). 1 of the submissions does not count toward it. Last evaluated 2026-05-01.

Conditions:
Multiple congenital anomalies/dysmorphic syndrome-intellectual disability. Identifiers: Orphanet 102283, MedGen C5680372, MONDO:0015159.
KBG syndrome (KBGS). Also called: ANKRD11-Related KBG Syndrome. Identifiers: Orphanet 2332, MedGen C0220687, MONDO:0007846, OMIM 148050.

Submissions (10):

CeGaT Center for Human Genetics Tuebingen
Classification: Pathogenic. Last evaluated: 2026-05-01. Review status: criteria provided, single submitter. Criteria: CeGaT Center For Human Genetics Tuebingen Variant Classification Criteria Version 2. Collection method: clinical testing. Allele origin: germline. Affected: yes. Observed: 2 variant alleles.
Comment: ANKRD11: PVS1, PS2, PM2, PS4:Moderate

Clinical Genetics Laboratory, University Hospital Schleswig-Holstein
Classification: Pathogenic for KBG syndrome. Last evaluated: 2025-11-20. Review status: criteria provided, single submitter. Criteria: ACMG Guidelines, 2015. Collection method: clinical testing. Allele origin: de novo. Affected: yes. Observed: 1 heterozygote.
Comment: ACMG criteria applied: PM2, PS4, PVS1, PS2

Clinical Genomics Laboratory, Washington University in St. Louis
Classification: Pathogenic for KBG syndrome. Last evaluated: 2025-04-16. Review status: criteria provided, single submitter. Criteria: ACMG Guidelines, 2015. Collection method: clinical testing. Allele origin: germline. Affected: yes.
Comment: The ANKRD11 c.3224_3227del (p.Glu1075Glyfs*242) variant has been reported in four individuals affected with phenotypes associated with KBG syndrome and was reported as occurring de novo in three of them (Cucco F et al., PMID: 32476269; Dillon OJ et al., PMID: 29453417; Miyatake S et al., PMID: 28250421; Swols DM et al., PMID: 29258554). This variant has been reported in the ClinVar database as a germline pathogenic variant by seven submitters (Variation ID: 420179). This variant is absent from the general population (gnomAD v.2.1.1), indicating it is not a common variant. The variant causes a frameshift by deleting four nucleotides, leading to a premature termination codon, which is predicted to result in nonsense-mediated decay. Based on available information and the ACMG/AMP guidelines for variant interpretation (Richards S et al., PMID: 25741868), this variant is classified as pathogenic.

Labcorp Genetics (formerly Invitae), Labcorp
Classification: Pathogenic for KBG syndrome. Last evaluated: 2024-02-26. Review status: criteria provided, single submitter. Criteria: Invitae Variant Classification Sherloc (09022015). Collection method: clinical testing. Allele origin: germline.
Comment: This sequence change creates a premature translational stop signal (p.Glu1075Glyfs*242) in the ANKRD11 gene. It is expected to result in an absent or disrupted protein product. Loss-of-function variants in ANKRD11 are known to be pathogenic (PMID: 21782149, 25125236, 25413698, 25652421). This variant is not present in population databases (gnomAD no frequency). This premature translational stop signal has been observed in individual(s) with KBG syndrome (PMID: 28250421, 29453417). In at least one individual the variant was observed to be de novo. ClinVar contains an entry for this variant (Variation ID: 420179). For these reasons, this variant has been classified as Pathogenic.

AURAGEN, Plan France Médecine Génomique
Classification: Pathogenic for Multiple congenital anomalies/dysmorphic syndrome-intellectual disability. Last evaluated: 2021-12-10. Review status: criteria provided, single submitter. Criteria: PFMG2025 (Lancet Reg Health Eur. 2025). Collection method: clinical testing. Allele origin: germline. Affected: yes.

GeneDx
Classification: Pathogenic. Last evaluated: 2021-12-07. Review status: criteria provided, single submitter. Criteria: GeneDx Variant Classification Process June 2021. Collection method: clinical testing. Allele origin: germline. Affected: yes.
Comment: Frameshift variant predicted to result in protein truncation or nonsense mediated decay in a gene for which loss-of-function is a known mechanism of disease; Not observed at significant frequency in large population cohorts (Lek et al., 2016); This variant is associated with the following publications: (PMID: 29258554, 28250421, 29453417, 25326635, 32476269)

Institute of Human Genetics, University of Leipzig Medical Center
Classification: Pathogenic for KBG syndrome. Last evaluated: 2019-09-10. Review status: criteria provided, single submitter. Criteria: ACMG Guidelines, 2015. Collection method: clinical testing. Allele origin: de novo. Affected: yes. Observed: 1 variant allele.
Comment: This variant was identified as de novo (maternity and paternity confirmed).

Baylor Genetics
Classification: Pathogenic for KBG syndrome. Last evaluated: 2017-09-01. Review status: criteria provided, single submitter. Criteria: ACMG Guidelines, 2015. Collection method: clinical testing. Allele origin: maternal. Inheritance: Autosomal dominant inheritance. Affected: yes.
Comment: This frameshift mutation is categorized as deleterious according to ACMG guidelines (PMID:18414213).

Genome Medicine, Institute for Basic Research in Developmental Disabilities
Classification: Pathogenic for KBG syndrome. Review status: criteria provided, single submitter. Criteria: ACMG Guidelines, 2015. Collection method: clinical testing. Allele origin: unknown. Affected: yes. Observed: 1 variant allele.

Autoinflammatory diseases unit, CHU de Montpellier
Classification: Pathogenic for KBG syndrome. Last evaluated: 2019-01-21. Review status: no assertion criteria provided. Collection method: clinical testing. Allele origin: de novo. Affected: yes. Not counted in ClinVar's aggregate classification.

Literature cited by the submitters: PubMed 21782149 (cited by Labcorp Genetics (formerly Invitae), Labcorp); PubMed 25125236 (cited by Labcorp Genetics (formerly Invitae), Labcorp); PubMed 25413698 (cited by Labcorp Genetics (formerly Invitae), Labcorp); PubMed 25652421 (cited by Labcorp Genetics (formerly Invitae), Labcorp); PubMed 28250421 (cited by Labcorp Genetics (formerly Invitae), Labcorp); PubMed 29453417 (cited by Labcorp Genetics (formerly Invitae), Labcorp); PubMed 25326635 (cited by Baylor Genetics); PubMed 35970914 (cited by Genome Medicine, Institute for Basic Research in Developmental Disabilities).

NM_013275.6(ANKRD11):c.3224_3227del (p.Glu1075fs)

Gene: ANKRD11 (ankyrin repeat domain 11; minus strand). Cytogenetic location: 16q24.3.
Variant type: Microsatellite.
Coding change: c.3224_3227del on transcript NM_013275.6 (MANE Select); coding-DNA positions 3224 to 3227, 4 bases deleted (AAAG; older notation c.3224_3227delAAAG).
Protein change: p.Glu1075fs; shifts the reading frame from glutamic acid 1075.
Molecular consequence: frameshift variant.
Genome position (GRCh38, 1-based): chr16:89,283,315-89,283,318, CTTT deleted on the plus strand (AAAG on the coding strand, the reverse complement: ANKRD11 is on the minus strand); deleting any 4 consecutive bases within chr16:89,283,315-89,283,322 gives the same sequence; the c. name uses the placement nearest the transcript's 3' end. VCF-style (leftmost placement, unchanged base first): chr16-89283314-CCTTT-C. GRCh37 (hg19) VCF-style: chr16-89349722-CCTTT-C.
Other names: c.3224_3227del (NM_013275.5); c.3224_3227del, p.Glu1075fs (NM_001256182.2, NM_001256183.2); short protein forms E1075fs.
Identifiers: ClinVar variation 420179 (VCV000420179.54), dbSNP rs1064794330, ClinGen allele CA16620307.